The following is an entry in ClinVar:

NM_022489.4(INF2):c.1227G>T (p.Ser409=)

Gene: INF2 (inverted formin 2; plus strand). Cytogenetic location: 14q32.33.
Variant type: single nucleotide variant.
Coding change: c.1227G>T on transcript NM_022489.4 (MANE Select); coding-DNA position 1227, G replaced by T.
Protein change: p.Ser409=; no amino-acid change (serine 409 retained).
Molecular consequence: synonymous variant.
Genome position (GRCh38, 1-based): chr14:104,707,494, G>T. VCF-style: chr14-104707494-G-T. GRCh37 (hg19) VCF-style: chr14-105173831-G-T.
Other names: p.Ser409=; c.1227G>T, p.Ser409= (NM_001031714.4).
Identifiers: ClinVar variation 291080 (VCV000291080.22), dbSNP rs3809455, ClinGen allele CA7372530.

ClinVar aggregate classification (germline): Benign. Review status: criteria provided, multiple submitters, no conflicts (2 of 4 stars). 9 submissions from 9 submitters: Benign (7). 2 of the submissions do not count toward it. Last evaluated 2026-02-04.

Conditions:
Focal segmental glomerulosclerosis 5 (FSGS5). Identifiers: Orphanet 656, MedGen C2750475, MONDO:0013191, OMIM 613237.
Charcot-Marie-Tooth disease dominant intermediate E. Also called: CHARCOT-MARIE-TOOTH NEUROPATHY WITH FOCAL SEGMENTAL GLOMERULONEPHRITIS. Identifiers: Orphanet 93114, MedGen C4302667, MONDO:0013758, OMIM 614455.

Allele frequency attached by ClinVar (database versions not stated): ESP Exome Variant Server 0.02613; gnomAD 0.03433; TOPMed 0.03892; 1000 Genomes Project 30x 0.06184; 1000 Genomes Project 0.06470.
gnomAD v4.1: 74,654 of 1,548,500 alleles (4.8%); highest among the groups gnomAD compares: South Asian, 12%; 2,401 homozygotes.

Submissions (9):

Labcorp Genetics (formerly Invitae), Labcorp
Classification: Benign for Charcot-Marie-Tooth disease dominant intermediate E; Focal segmental glomerulosclerosis 5. Last evaluated: 2026-02-04. Review status: criteria provided, single submitter. Criteria: Invitae Variant Classification Sherloc (09022015). Collection method: clinical testing. Allele origin: germline.

Blueprint Genetics
Classification: Benign. Last evaluated: 2024-11-27. Review status: criteria provided, single submitter. Criteria: ACMG Guidelines, 2015. Collection method: clinical testing. Allele origin: germline.

Mayo Clinic Laboratories, Mayo Clinic
Classification: Benign. Last evaluated: 2022-10-27. Review status: criteria provided, single submitter. Criteria: ACMG Guidelines, 2015. Collection method: clinical testing. Allele origin: germline. Observed: 203 variant alleles.

Illumina Laboratory Services, Illumina
Classification: Benign for Focal segmental glomerulosclerosis 5. Last evaluated: 2018-01-12. Review status: criteria provided, single submitter. Criteria: ICSL Variant Classification Criteria 13 December 2019. Collection method: clinical testing. Allele origin: germline.
Comment: This variant was observed in the ICSL laboratory as part of a predisposition screen in an ostensibly healthy population. It had not been previously curated by ICSL or reported in the Human Gene Mutation Database (HGMD: prior to June 1st, 2018), and was therefore a candidate for classification through an automated scoring system. Utilizing variant allele frequency, disease prevalence and penetrance estimates, and inheritance mode, an automated score was calculated to assess if this variant is too frequent to cause the disease. Based on the score and internal cut-off values, a variant classified as benign is not then subjected to further curation. The score for this variant resulted in a classification of benign for this disease.

Eurofins Ntd Llc (ga)
Classification: Benign. Last evaluated: 2016-09-06. Review status: criteria provided, single submitter. Criteria: EGL Classification Definitions 2015. Collection method: clinical testing. Allele origin: germline. Observed: 2 variant alleles, 2 heterozygotes.

GeneDx
Classification: Benign. Last evaluated: 2016-01-08. Review status: criteria provided, single submitter. Criteria: GeneDx Variant Classification (06012015). Collection method: clinical testing. Allele origin: germline. Affected: yes.
Comment: This variant is considered likely benign or benign based on one or more of the following criteria: it is a conservative change, it occurs at a poorly conserved position in the protein, it is predicted to be benign by multiple in silico algorithms, and/or has population frequency not consistent with disease.

Breakthrough Genomics
Classification: Benign. Review status: criteria provided, single submitter. Criteria: ACMG Guidelines, 2015. Collection method: not provided. Allele origin: germline. Inheritance: Autosomal dominant inheritance. Affected: yes.

Clinical Genetics, Academic Medical Center
Classification: Benign. Review status: no assertion criteria provided. Collection method: clinical testing. Allele origin: germline. Affected: yes. Study: VKGL Data-share Consensus. Not counted in ClinVar's aggregate classification.

Genome Diagnostics Laboratory, University Medical Center Utrecht
Classification: Benign. Review status: no assertion criteria provided. Collection method: clinical testing. Allele origin: germline. Affected: yes. Study: VKGL Data-share Consensus. Not counted in ClinVar's aggregate classification.